The following is an entry in ClinVar:

ClinVar aggregate classification (germline): Uncertain significance (1 of 4 stars; one submission).

Conditions:
BDNF-related disorder. Also called: BDNF-related condition.

Submission:

PreventionGenetics, part of Exact Sciences
Classification: Uncertain significance for BDNF-related condition. Last evaluated: 2025-06-23. Review status: criteria provided, single submitter. Criteria: ACMG Guidelines, 2015. Collection method: clinical testing. Allele origin: germline.
Comment: The BDNF c.461A>T variant is predicted to result in the amino acid substitution p.Asp154Val. To our knowledge, this variant has not been reported in the literature or in a large population database (gnomAD), indicating this variant is rare. At this time, the clinical significance of this variant is uncertain due to the absence of conclusive functional and genetic evidence.

NM_001709.5(BDNF):c.215A>T (p.Asp72Val)

Genes: BDNF (brain derived neurotrophic factor; minus strand), BDNF-AS (BDNF antisense RNA; plus strand). Cytogenetic location: 11p14.1.
Variant type: single nucleotide variant.
Coding change: c.215A>T on transcript NM_001709.5 (MANE Select); coding-DNA position 215, A replaced by T.
Protein change: p.Asp72Val; replaces aspartic acid 72 with valine.
Molecular consequence: missense variant. On other transcripts: non-coding transcript variant (5).
Genome position (GRCh38, 1-based): chr11:27,658,350, T>A on the plus strand (A>T on the coding strand, the complement: BDNF is on the minus strand). VCF-style: chr11-27658350-T-A. GRCh37 (hg19) VCF-style: chr11-27679897-T-A.
Other names: c.215A>T, p.Asp72Val (NM_001143805.1, NM_001143806.1, NM_001143807.2 and 9 more transcripts); c.302A>T, p.Asp101Val (NM_001143809.2); c.461A>T, p.Asp154Val (NM_001143810.2); c.239A>T, p.Asp80Val (NM_170731.5); c.260A>T, p.Asp87Val (NM_170734.4); short protein forms D154V, D87V, D101V, D72V, D80V.
Identifiers: ClinVar variation 4997553 (VCV004997553.1).
Genomic context (GRCh38, chr11:27,658,350, plus strand): 5'-GACGTGTACAAGTCTGCGTCCTTATTGTTTTCTTCATTGGGCCGAACTTTCTGGTCCTCA[T>A]CCAACAGCTCTTCTATCACGTGTTCGAAAGTGTCAGCCAATGATGTCAAGCCTCTTGAAC-3'
Protein context (NP_001700.2, residues 62-82): TFEHVIEELL[Asp72Val]EDQKVRPNEE